The following is an entry in ClinVar:

ClinVar aggregate classification (germline): Pathogenic (1 of 4 stars; one submission).

Conditions:
Familial thoracic aortic aneurysm and aortic dissection (TAAD). Also called: Thoracic aortic aneurysms and dissections. Identifiers: Orphanet 91387, MedGen C4707243, MONDO:0019625.
Marfan syndrome (MFS). Also called: Marfan syndrome type 1; Marfan's syndrome; Marfan syndrome, classic; MARFAN SYNDROME, TYPE I; FBN1-Related Marfan Syndrome. Identifiers: Orphanet 284963, Orphanet 558, MedGen C0024796, MONDO:0007947, OMIM 154700.

Submission:

Labcorp Genetics (formerly Invitae), Labcorp
Classification: Pathogenic for Marfan syndrome; Familial thoracic aortic aneurysm and aortic dissection. Last evaluated: 2018-06-20. Review status: criteria provided, single submitter. Criteria: Invitae Variant Classification Sherloc (09022015). Collection method: clinical testing. Allele origin: germline.
Comment: This sequence change creates a premature translational stop signal (p.Gly1394*) in the FBN1 gene. It is expected to result in an absent or disrupted protein product. This variant is not present in population databases (ExAC no frequency). This variant has not been reported in the literature in individuals with FBN1-related disease. Loss-of-function variants in FBN1 are known to be pathogenic (PMID: 17657824, 19293843). For these reasons, this variant has been classified as Pathogenic.

Literature cited by the submitters: PubMed 17657824; PubMed 19293843.

NM_000138.5(FBN1):c.4180G>T (p.Gly1394Ter)

Gene: FBN1 (fibrillin 1; minus strand). Cytogenetic location: 15q21.1.
Variant type: single nucleotide variant.
Coding change: c.4180G>T on transcript NM_000138.5 (MANE Select); coding-DNA position 4180, G replaced by T.
Protein change: p.Gly1394Ter; replaces glycine 1394 with a stop codon.
Molecular consequence: nonsense.
Genome position (GRCh38, 1-based): chr15:48,474,285, C>A on the plus strand (G>T on the coding strand, the complement: FBN1 is on the minus strand). VCF-style: chr15-48474285-C-A. GRCh37 (hg19) VCF-style: chr15-48766482-C-A.
Other names: short protein forms G1394*.
Identifiers: ClinVar variation 1074593 (VCV001074593.7), dbSNP rs2141279711, ClinGen allele CA392320069.